The following is an entry in ClinVar:

NM_007144.3(PCGF2):c.367G>T (p.Gly123Trp)

Gene: PCGF2 (polycomb group ring finger 2; minus strand). Cytogenetic location: 17q12.
Variant type: single nucleotide variant.
Coding change: c.367G>T on transcript NM_007144.3 (MANE Select); coding-DNA position 367, G replaced by T.
Protein change: p.Gly123Trp; replaces glycine 123 with tryptophan.
Molecular consequence: missense variant.
Genome position (GRCh38, 1-based): chr17:38,738,811, C>A on the plus strand (G>T on the coding strand, the complement: PCGF2 is on the minus strand). VCF-style: chr17-38738811-C-A. GRCh37 (hg19) VCF-style: chr17-36895064-C-A.
Other names: c.367G>T, p.Gly123Trp (NM_001369614.1, NM_001369615.1); short protein forms G123W.
Identifiers: ClinVar variation 1479166 (VCV001479166.6), dbSNP rs2143091509, ClinGen allele CA398822011.

ClinVar aggregate classification (germline): Uncertain significance (1 of 4 stars; one submission).

Submission:

Labcorp Genetics (formerly Invitae), Labcorp
Classification: Uncertain significance. Last evaluated: 2022-01-15. Review status: criteria provided, single submitter. Criteria: Invitae Variant Classification Sherloc (09022015). Collection method: clinical testing. Allele origin: germline.
Comment: In summary, the available evidence is currently insufficient to determine the role of this variant in disease. Therefore, it has been classified as a Variant of Uncertain Significance. Algorithms developed to predict the effect of sequence changes on RNA splicing suggest that this variant may create or strengthen a splice site. Algorithms developed to predict the effect of missense changes on protein structure and function are either unavailable or do not agree on the potential impact of this missense change (SIFT: "Tolerated"; PolyPhen-2: "Possibly Damaging"; Align-GVGD: "Class C0"). This variant has not been reported in the literature in individuals affected with PCGF2-related conditions. This variant is not present in population databases (gnomAD no frequency). This sequence change replaces glycine, which is neutral and non-polar, with tryptophan, which is neutral and slightly polar, at codon 123 of the PCGF2 protein (p.Gly123Trp).